The following is an entry in ClinVar:

NM_173728.4(ARHGEF15):c.1535G>T (p.Arg512Leu)

Gene: ARHGEF15 (Rho guanine nucleotide exchange factor 15; plus strand). Cytogenetic location: 17p13.1.
Variant type: single nucleotide variant.
Coding change: c.1535G>T on transcript NM_173728.4 (MANE Select); coding-DNA position 1535, G replaced by T.
Protein change: p.Arg512Leu; replaces arginine 512 with leucine.
Molecular consequence: missense variant.
Genome position (GRCh38, 1-based): chr17:8,315,868, G>T. VCF-style: chr17-8315868-G-T. GRCh37 (hg19) VCF-style: chr17-8219186-G-T.
Other names: c.1535G>T, p.Arg512Leu (NM_025014.2); short protein forms R512L.
Identifiers: ClinVar variation 4751700 (VCV004751700.1).

ClinVar aggregate classification (germline): Uncertain significance (1 of 4 stars; one submission).

Conditions:
Early-infantile DEE. Also called: Early infantile epileptic encephalopathy; Ohtahara syndrome; Early infantile epileptic encephalopathy with suppression bursts. Identifiers: Orphanet 1934, MedGen C0393706, MONDO:0800491.

Submission:

Labcorp Genetics (formerly Invitae), Labcorp
Classification: Uncertain significance for Early-infantile DEE. Last evaluated: 2026-01-24. Review status: criteria provided, single submitter. Criteria: Invitae Variant Classification Sherloc (09022015). Collection method: clinical testing. Allele origin: germline.
Comment: This sequence change replaces arginine, which is basic and polar, with leucine, which is neutral and non-polar, at codon 512 of the ARHGEF15 protein (p.Arg512Leu). This variant is not present in population databases (gnomAD no frequency). This variant has not been reported in the literature in individuals affected with ARHGEF15-related conditions. An algorithm developed to predict the effect of missense changes on protein structure and function (PolyPhen-2) suggests that this variant is likely to be disruptive. In summary, the available evidence is currently insufficient to determine the role of this variant in disease. Therefore, it has been classified as a Variant of Uncertain Significance.